The following is an entry in ClinVar:

ClinVar aggregate classification (germline): Pathogenic (1 of 4 stars; one submission).

Submission:

Labcorp Genetics (formerly Invitae), Labcorp
Classification: Pathogenic. Last evaluated: 2018-08-11. Review status: criteria provided, single submitter. Criteria: Invitae Variant Classification Sherloc (09022015). Collection method: clinical testing. Allele origin: germline.
Comment: This sequence change creates a premature translational stop signal (p.Pro82Leufs*9) in the NONO gene. It is expected to result in an absent or disrupted protein product. This variant is not present in population databases (ExAC no frequency). This variant has not been reported in the literature in individuals with NONO-related disease. Loss-of-function variants in NONO are known to be pathogenic (PMID: 26571461, 27329731, 27550220). For these reasons, this variant has been classified as Pathogenic.

Literature cited by the submitters: PubMed 26571461; PubMed 27329731; PubMed 27550220.

NM_007363.5(NONO):c.245del (p.Pro82fs)

Gene: NONO (non-POU domain containing octamer binding; plus strand). Cytogenetic location: Xq13.1.
Variant type: Deletion.
Coding change: c.245del on transcript NM_007363.5 (MANE Select); coding-DNA position 245, one base deleted (C; older notation c.245delC).
Protein change: p.Pro82fs; shifts the reading frame from proline 82.
Molecular consequence: frameshift variant. On other transcripts: 5 prime UTR variant (1).
Genome position (GRCh38, 1-based): chrX:71,291,869, C deleted; the last of 2 consecutive C bases (chrX:71,291,868-71,291,869); deleting either gives the same sequence. VCF-style (leftmost placement, unchanged base first): chrX-71291867-TC-T. GRCh37 (hg19) VCF-style: chrX-70511717-TC-T.
Other names: c.245del, p.Pro82fs (NM_001145408.2, NM_001145409.2); c.-23del (NM_001145410.2); short protein forms P82fs.
Identifiers: ClinVar variation 647910 (VCV000647910.6), dbSNP rs1602386427, ClinGen allele CA915951232.